The following is an entry in ClinVar:

NM_002473.6(MYH9):c.4561C>G (p.His1521Asp)

Gene: MYH9 (myosin heavy chain 9; minus strand). Cytogenetic location: 22q12.3.
Variant type: single nucleotide variant.
Coding change: c.4561C>G on transcript NM_002473.6 (MANE Select); coding-DNA position 4561, C replaced by G.
Protein change: p.His1521Asp; replaces histidine 1521 with aspartic acid.
Molecular consequence: missense variant.
Genome position (GRCh38, 1-based): chr22:36,288,936, G>C on the plus strand (C>G on the coding strand, the complement: MYH9 is on the minus strand). VCF-style: chr22-36288936-G-C. GRCh37 (hg19) VCF-style: chr22-36684982-G-C.
Other names: short protein forms H1521D.
Identifiers: ClinVar variation 2007761 (VCV002007761.4), dbSNP rs2517954042, ClinGen allele CA411378800.
Genomic context (GRCh38, chr22:36,288,936, plus strand): 5'-GCTGCGTCTTCATCTCCTCCACCTGCTGCTCTAGGGCCCGCTTGGACTTCTCCAGCTCGT[G>C]GACCTGAGCCCCAGAGAGCCCAAGTCAGGAGCAAAGGGACTGGCAGGTACCTGGGTCTGC-3'
Protein context (NP_002464.1, residues 1511-1531): SSKDDVGKSV[His1521Asp]ELEKSKRALE

ClinVar aggregate classification (germline): Uncertain significance (1 of 4 stars; one submission).

Submission:

Labcorp Genetics (formerly Invitae), Labcorp
Classification: Uncertain significance. Last evaluated: 2022-09-19. Review status: criteria provided, single submitter. Criteria: Invitae Variant Classification Sherloc (09022015). Collection method: clinical testing. Allele origin: germline.
Comment: This variant is not present in population databases (gnomAD no frequency). This variant has not been reported in the literature in individuals affected with MYH9-related conditions. Advanced modeling of protein sequence and biophysical properties (such as structural, functional, and spatial information, amino acid conservation, physicochemical variation, residue mobility, and thermodynamic stability) performed at Invitae indicates that this missense variant is not expected to disrupt MYH9 protein function. In summary, the available evidence is currently insufficient to determine the role of this variant in disease. Therefore, it has been classified as a Variant of Uncertain Significance. This sequence change replaces histidine, which is basic and polar, with aspartic acid, which is acidic and polar, at codon 1521 of the MYH9 protein (p.His1521Asp).